The following is an entry in ClinVar:

ClinVar aggregate classification (germline): Conflicting classifications of pathogenicity. Review status: criteria provided, conflicting classifications (1 of 4 stars). 29 submissions from 24 submitters: Uncertain significance (7); Benign (4); Likely benign (9). 9 of the submissions do not count toward it. Last evaluated 2026-09-01.

Conditions:
TTN-related disorder. Also called: TTN-related disorders; TTN-related condition; TTN-related disease.
Cardiovascular phenotype. Identifiers: MedGen CN230736.
Autosomal recessive limb-girdle muscular dystrophy type 2J (LGMDR10). Also called: Limb-girdle muscular dystrophy, type 2J; MUSCULAR DYSTROPHY, LIMB-GIRDLE, AUTOSOMAL RECESSIVE 10. Identifiers: Orphanet 140922, MedGen C1837342, MONDO:0012127, OMIM 608807.
Dilated cardiomyopathy 1G (CMD1G). Identifiers: Orphanet 154, MedGen C1858763, MONDO:0011400, OMIM 604145.
Cardiomyopathy (CMYO). Also called: Cardiomyopathies. Identifiers: Orphanet 167848, MedGen C0878544, MONDO:0004994, HP:0001638. Inheritance: Various modes of inheritance.
Early-onset myopathy with fatal cardiomyopathy (CMYO5). Also called: Salih Myopathy; CONGENITAL MYOPATHY 5 WITH CARDIOMYOPATHY. Identifiers: Orphanet 289377, MedGen C2673677, MONDO:0012714, OMIM 611705. Disease mechanism: loss of function.
Myopathy, myofibrillar, 9, with early respiratory failure (MFM9). Also called: Myopathy, distal, with early respiratory failure, autosomal dominant; EDSTROM MYOPATHY; MYOPATHY, PROXIMAL, WITH EARLY RESPIRATORY MUSCLE INVOLVEMENT; Hereditary myopathy with early respiratory failure. Identifiers: Orphanet 178464, Orphanet 34521, MedGen C1863599, MONDO:0011362, OMIM 603689.
Tibial muscular dystrophy (TMD). Also called: Udd Distal Myopathy – Tibial Muscular Dystrophy; UDD MYOPATHY; Tibial muscular dystrophy, tardive. Identifiers: Orphanet 609, MedGen C1838244, MONDO:0010870, OMIM 600334.
Hypertrophic cardiomyopathy 9. Also called: Familial hypertrophic cardiomyopathy 9. Identifiers: MedGen C1861065, MONDO:0013412, OMIM 613765.
Primary dilated cardiomyopathy (DCM). Also called: Dilated Cardiomyopathy. Identifiers: Orphanet 217604, MedGen C0007193, MeSH D002311, MONDO:0005021, HP:0001644. Inheritance: Various modes of inheritance.

Allele frequency attached by ClinVar (database versions not stated): 1000 Genomes Project 30x 0.00031; 1000 Genomes Project 0.00040; ESP Exome Variant Server 0.00042; gnomAD 0.00057; TOPMed 0.00099.
gnomAD v4.1: 1,875 of 1,612,582 alleles (0.12%); highest among the groups gnomAD compares: Non-Finnish European, 0.15%; 4 homozygotes.

Submissions 1 to 15 of 29:

CeGaT Center for Human Genetics Tuebingen
Classification: Likely benign. Last evaluated: 2026-09-01. Review status: criteria provided, single submitter. Criteria: CeGaT Center For Human Genetics Tuebingen Variant Classification Criteria Version 2. Collection method: clinical testing. Allele origin: germline. Affected: yes. Observed: 5 variant alleles.
Comment: TTN: BS2

Labcorp Genetics (formerly Invitae), Labcorp
Classification: Likely benign for Dilated cardiomyopathy 1G; Autosomal recessive limb-girdle muscular dystrophy type 2J. Last evaluated: 2026-02-03. Review status: criteria provided, single submitter. Criteria: Invitae Variant Classification Sherloc (09022015). Collection method: clinical testing. Allele origin: germline.

Mayo Clinic Laboratories, Mayo Clinic
Classification: Uncertain significance. Last evaluated: 2025-07-02. Review status: criteria provided, single submitter. Criteria: ACMG Guidelines, 2015. Collection method: clinical testing. Allele origin: germline. Observed: 4 variant alleles.
Comment: BP4

Molecular Diagnostic Laboratory for Inherited Cardiovascular Disease, Montreal Heart Institute
Classification: Likely benign. Last evaluated: 2025-04-09. Review status: criteria provided, single submitter. Criteria: ACMG Guidelines, 2015. Collection method: clinical testing. Allele origin: germline. Affected: no.

PreventionGenetics, part of Exact Sciences
Classification: Likely benign for TTN-related condition. Last evaluated: 2025-03-05. Review status: criteria provided, single submitter. Criteria: ACMG Guidelines, 2015. Collection method: clinical testing. Allele origin: germline.
Comment: This variant is classified as likely benign based on ACMG/AMP sequence variant interpretation guidelines (Richards et al. 2015 PMID: 25741868, with internal and published modifications).

Athena Diagnostics
Classification: Likely benign. Last evaluated: 2024-12-24. Review status: criteria provided, single submitter. Criteria: Athena Diagnostics Criteria. Collection method: clinical testing. Allele origin: unknown.
Comment: The frequency of this variant in the general population is higher than would generally be expected for pathogenic variants in this gene.

Blueprint Genetics
Classification: Likely benign. Last evaluated: 2024-11-22. Review status: criteria provided, single submitter. Criteria: ACMG Guidelines, 2015. Collection method: clinical testing. Allele origin: germline.

ARUP Laboratories, Molecular Genetics and Genomics, ARUP Laboratories
Classification: Uncertain significance. Last evaluated: 2021-03-10. Review status: criteria provided, single submitter. Criteria: ARUP Molecular Germline Variant Investigation Process 2021. Collection method: clinical testing. Allele origin: germline.
Comment: The TTN c.44281C>T; p.Pro14761Ser variant (rs192766485; ClinVar Variation ID: 178217) is rare in the general population (<1% allele frequency in the Genome Aggregation Database) and has been reported in a cohort of individuals with dilated cardiomyopathy (Roberts 2015). The clinical relevance of rare missense variants in this gene, which are identified on average once per individual sequenced in affected populations (Herman 2012), is not well understood. Yet, evidence suggests that the vast majority of such missense variants do not contribute to the clinical outcome of DCM (Begay 2015). Thus, the clinical significance of the p.Pro14761Ser variant cannot be determined with certainty. References: Begay RL et al. Role of Titin Missense Variants in Dilated Cardiomyopathy. J Am Heart Assoc. 2015 Nov 13;4(11). Herman DS et al. Truncations of titin causing dilated cardiomyopathy. N Engl J Med. 2012 Feb 16;366(7):619-28. Linke and Hamdani. Gigantic business: titin properties and function through thick and thin. Circ Res 2014; 114(6): 1052-1068. Roberts AM at al. Integrated allelic, transcriptional, and phenomic dissection of the cardiac effects of titin truncations in health and disease. Sci Transl Med. 2015 Jan 14;7(270):270ra6.

GeneDx
Classification: Likely benign. Last evaluated: 2021-01-18. Review status: criteria provided, single submitter. Criteria: GeneDx Variant Classification Process June 2021. Collection method: clinical testing. Allele origin: germline. Affected: yes.
Comment: This variant is associated with the following publications: (PMID: 25589632)

Women's Health and Genetics/Laboratory Corporation of America, LabCorp
Classification: Likely benign. Last evaluated: 2020-11-02. Review status: criteria provided, single submitter. Criteria: LabCorp Variant Classification Summary - May 2015. Collection method: clinical testing. Allele origin: germline.
Comment: Variant summary: TTN c.36577C>T (p.Pro12193Ser) results in a non-conservative amino acid change located in the I band domain of the encoded protein sequence. Three of five in-silico tools predict a benign effect of the variant on protein function. 4/4 computational tools predict no significant impact on normal splicing. However, these predictions have yet to be confirmed by functional studies. The variant allele was found at a frequency of 0.00066 in 248262 control chromosomes, predominantly at a frequency of 0.0011 within the Non-Finnish European subpopulation in the gnomAD database. The observed variant frequency within Non-Finnish European control individuals in the gnomAD database is approximately 3 fold of the estimated maximal expected allele frequency for a pathogenic variant in TTN causing Dilated Cardiomyopathy phenotype (0.00039), strongly suggesting that the variant is a benign polymorphism found primarily in populations of Non-Finnish European origin. c.36577C>T has been reported in the literature in individuals affected with sudden unexplained death/Left Ventricular Non-Compaction (Campuzano_2015). However, this report does not provide unequivocal conclusions about association of the variant with Dilated Cardiomyopathy. To our knowledge, no experimental evidence demonstrating an impact on protein function has been reported. Twelve ClinVar submitters (evaluation after 2014) cite the variant as likely benign/benign (n=7) or uncertain significance (n=5). Based on the evidence outlined above, the variant was classified as likely benign.

CHEO Genetics Diagnostic Laboratory, Children's Hospital of Eastern Ontario
Classification: Benign for Cardiomyopathy. Last evaluated: 2020-05-08. Review status: criteria provided, single submitter. Criteria: ACMG Guidelines, 2015. Collection method: clinical testing. Allele origin: germline.

Ambry Genetics
Classification: Likely benign for Cardiovascular phenotype. Last evaluated: 2019-12-18. Review status: criteria provided, single submitter. Criteria: Ambry Variant Classification Scheme 2023. Collection method: clinical testing. Allele origin: germline.

Laboratory for Molecular Medicine, Mass General Brigham Personalized Medicine
Classification: Benign. Last evaluated: 2018-11-09. Review status: criteria provided, single submitter. Criteria: LMM Criteria. Collection method: clinical testing. Allele origin: germline. Observed: 2 variant alleles.
Comment: proposed classification - variant undergoing re-assessment, contact laboratory

Eurofins Ntd Llc (ga)
Classification: Uncertain significance. Last evaluated: 2018-06-01. Review status: criteria provided, single submitter. Criteria: EGL ClinVar v180209 classification definitions. Collection method: clinical testing. Allele origin: germline. Observed: 11 variant alleles, 11 heterozygotes.

Illumina Laboratory Services, Illumina
Classification: Benign for Tibial muscular dystrophy. Last evaluated: 2017-04-27. Review status: criteria provided, single submitter. Criteria: ICSL Variant Classification Criteria 13 December 2019. Collection method: clinical testing. Allele origin: germline.
Comment: This variant was observed as part of a predisposition screen in an ostensibly healthy population. A literature search was performed for the gene, cDNA change, and amino acid change (where applicable). No publications were found based on this search. Allele frequency data from public databases was too high to be consistent with this variant causing disease. Therefore, this variant is classified as benign.

NM_001267550.2(TTN):c.44281C>T (p.Pro14761Ser)

Gene: TTN (titin; minus strand). Cytogenetic location: 2q31.2.
Variant type: single nucleotide variant.
Coding change: c.44281C>T on transcript NM_001267550.2 (MANE Select); coding-DNA position 44281, C replaced by T.
Protein change: p.Pro14761Ser; replaces proline 14761 with serine.
Molecular consequence: missense variant.
Genome position (GRCh38, 1-based): chr2:178,630,241, G>A on the plus strand (C>T on the coding strand, the complement: TTN is on the minus strand). VCF-style: chr2-178630241-G-A. GRCh37 (hg19) VCF-style: chr2-179494968-G-A.
Other names: p.P12193S:CCA>TCA; c.17461C>T, p.Pro5821Ser (NM_133432.3); c.17662C>T, p.Pro5888Ser (NM_133437.4); c.39358C>T, p.Pro13120Ser (NM_001256850.1); c.17086C>T, p.Pro5696Ser (NM_003319.4); c.36577C>T, p.Pro12193Ser (NM_133378.4); c.44281C>T (LRG_391t1); short protein forms P12193S, P14761S, P13120S, P5696S, P5888S, P5821S.
Identifiers: ClinVar variation 178217 (VCV000178217.81), dbSNP rs192766485, ClinGen allele CA181813.